The following is an entry in ClinVar:

NM_033026.6(PCLO):c.14780G>A (p.Arg4927His)

Gene: PCLO (piccolo presynaptic cytomatrix protein; minus strand). Cytogenetic location: 7q21.11.
Variant type: single nucleotide variant.
Coding change: c.14780G>A on transcript NM_033026.6 (MANE Select); coding-DNA position 14780, G replaced by A.
Protein change: p.Arg4927His; replaces arginine 4927 with histidine.
Molecular consequence: missense variant.
Genome position (GRCh38, 1-based): chr7:82,822,506, C>T on the plus strand (G>A on the coding strand, the complement: PCLO is on the minus strand). VCF-style: chr7-82822506-C-T. GRCh37 (hg19) VCF-style: chr7-82451822-C-T.
Other names: c.14780G>A, p.Arg4927His (NM_014510.3); short protein forms R4927H.
Identifiers: ClinVar variation 1419911 (VCV001419911.7), dbSNP rs370849099, ClinGen allele CA4318722.

ClinVar aggregate classification (germline): Uncertain significance (1 of 4 stars; one submission).

Allele frequency attached by ClinVar (database versions not stated): gnomAD 0.00002; TOPMed 0.00002; ESP Exome Variant Server 0.00008.
gnomAD v4.1: 56 of 1,613,654 alleles (0.0035%); highest among the groups gnomAD compares: Non-Finnish European, 0.0042%; no homozygotes.

Submission:

Labcorp Genetics (formerly Invitae), Labcorp
Classification: Uncertain significance. Last evaluated: 2024-11-05. Review status: criteria provided, single submitter. Criteria: Invitae Variant Classification Sherloc (09022015). Collection method: clinical testing. Allele origin: germline.
Comment: This sequence change replaces arginine, which is basic and polar, with histidine, which is basic and polar, at codon 4927 of the PCLO protein (p.Arg4927His). This variant is present in population databases (rs370849099, gnomAD 0.007%). This variant has not been reported in the literature in individuals affected with PCLO-related conditions. ClinVar contains an entry for this variant (Variation ID: 1419911). Experimental studies and prediction algorithms are not available or were not evaluated, and the functional significance of this variant is currently unknown. In summary, the available evidence is currently insufficient to determine the role of this variant in disease. Therefore, it has been classified as a Variant of Uncertain Significance.